The following is an entry in ClinVar:

ClinVar aggregate classification (germline): Uncertain significance (1 of 4 stars; one submission).

Conditions:
Juvenile polyposis/hereditary hemorrhagic telangiectasia syndrome (JPHT). Also called: Juvenile Polyposis Syndrome / Hereditary Hemorrhagic Telangiectasia (JPS/HHT); JP/HHT SYNDROME; JUVENILE POLYPOSIS WITH HEREDITARY HEMORRHAGIC TELANGIECTASIA; POLYPOSIS, GENERALIZED JUVENILE, WITH PULMONARY ARTERIOVENOUS MALFORMATION; TELANGIECTASIA, HEREDITARY HEMORRHAGIC, WITH JUVENILE POLYPOSIS COLI. Identifiers: Orphanet 2929, MedGen C1832942, MONDO:0008278, OMIM 175050.

Submission:

All of Us Research Program, National Institutes of Health
Classification: Uncertain significance for Juvenile polyposis/hereditary hemorrhagic telangiectasia syndrome. Last evaluated: 2024-08-06. Review status: criteria provided, single submitter. Criteria: ACMG Guidelines, 2015. Collection method: clinical testing. Allele origin: germline. Inheritance: Autosomal dominant inheritance. Observed: 3 variant alleles, 3 heterozygotes.
Comment: This study involves interpretation of variants in research participants for the purpose of population health screening. Participant phenotype was not available at the time of variant classification. Additional details can be found in publication PMID: 35346344, PMCID: PMC8962531

NM_005359.6(SMAD4):c.1447+2_1447+3insCTGTCAGCTGCTGCTGGAATTGGTGTTGATGACCTTCGTCGCTTATGCATACTC

Gene: SMAD4 (SMAD family member 4; plus strand). Cytogenetic location: 18q21.2.
Variant type: Insertion.
Coding change: c.1447+2_1447+3insCTGTCAGCTGCTGCTGGAATTGGTGTTGATGACCTTCGTCGCTTATGCATACTC on transcript NM_005359.6 (MANE Select); the canonical splice donor site of the intron after coding-DNA position 1447 through 3 bases into the intron after coding-DNA position 1447, CTGTCAGCTGCTGCTGGAATTGGTGTTGATGACCTTCGTCGCTTATGCATACTC inserted.
Molecular consequence: intron variant.
Genome position: GRCh38: chr18:51,076,778-51,076,779. GRCh37 (hg19): chr18:48,603,148-48,603,149.
Other names: c.1447+2_1447+3insCTGTCAGCTGCTGCTGGAATTGGTGTTGATGACCTTCGTCGCTTATGCATACTC (NM_001407042.1, NM_001407041.1).
Identifiers: ClinVar variation 3069356 (VCV003069356.2), dbSNP rs761263453, ClinGen allele CA629926699.